The following is an entry in ClinVar:

NM_014956.5(CEP164):c.2654C>A (p.Thr885Asn)

Gene: CEP164 (centrosomal protein 164; plus strand). Cytogenetic location: 11q23.3.
Variant type: single nucleotide variant.
Coding change: c.2654C>A on transcript NM_014956.5 (MANE Select); coding-DNA position 2654, C replaced by A.
Protein change: p.Thr885Asn; replaces threonine 885 with asparagine.
Molecular consequence: missense variant.
Genome position (GRCh38, 1-based): chr11:117,394,387, C>A. VCF-style: chr11-117394387-C-A. GRCh37 (hg19) VCF-style: chr11-117265103-C-A.
Other names: c.2663C>A, p.Thr888Asn (NM_001271933.2); short protein forms T888N, T885N.
Identifiers: ClinVar variation 1035904 (VCV001035904.6), dbSNP rs753347841, ClinGen allele CA6295174.

ClinVar aggregate classification (germline): Uncertain significance (1 of 4 stars; one submission).

Conditions:
Nephronophthisis 15 (NPHP15). Identifiers: Orphanet 3156, MedGen C3541853, MONDO:0013917, OMIM 614845.

Allele frequency attached by ClinVar (database versions not stated): gnomAD exomes below 0.00001; TOPMed below 0.00001; ExAC 0.00001; gnomAD 0.00001.
gnomAD v4.1: 2 of 1,610,356 alleles (0.00012%); highest among the groups gnomAD compares: Admixed American, 0.0017%; no homozygotes.

Submission:

Labcorp Genetics (formerly Invitae), Labcorp
Classification: Uncertain significance for Nephronophthisis 15. Last evaluated: 2023-05-08. Review status: criteria provided, single submitter. Criteria: Invitae Variant Classification Sherloc (09022015). Collection method: clinical testing. Allele origin: germline.
Comment: In summary, the available evidence is currently insufficient to determine the role of this variant in disease. Therefore, it has been classified as a Variant of Uncertain Significance. Advanced modeling of protein sequence and biophysical properties (such as structural, functional, and spatial information, amino acid conservation, physicochemical variation, residue mobility, and thermodynamic stability) performed at Invitae indicates that this missense variant is not expected to disrupt CEP164 protein function. ClinVar contains an entry for this variant (Variation ID: 1035904). This variant has not been reported in the literature in individuals affected with CEP164-related conditions. The frequency data for this variant in the population databases is considered unreliable, as metrics indicate poor data quality at this position in the gnomAD database. This sequence change replaces threonine, which is neutral and polar, with asparagine, which is neutral and polar, at codon 885 of the CEP164 protein (p.Thr885Asn).